The following is an entry in ClinVar:

ClinVar aggregate classification (germline): Likely pathogenic (1 of 4 stars; one submission).

Conditions:
Hereditary cancer-predisposing syndrome. Also called: Hereditary Cancer Syndrome; Tumor predisposition; Hereditary neoplastic syndrome; Neoplastic Syndromes, Hereditary. Identifiers: Orphanet 140162, MedGen C0027672, MeSH D009386, MONDO:0015356.
Cardiovascular phenotype. Identifiers: MedGen CN230736.

Submission:

Ambry Genetics
Classification: Likely pathogenic for Cardiovascular phenotype; Hereditary cancer-predisposing syndrome. Last evaluated: 2024-10-18. Review status: criteria provided, single submitter. Criteria: Ambry Variant Classification Scheme 2023. Collection method: clinical testing. Allele origin: germline.
Comment: The c.2964_2965insAlu likely pathogenic variant results from the insertion of an Alu element between nucleotides 2964 and 2965 in coding exon 22 of the NF1 gene. Mobile element insertions contribute to pathogenicity by either disrupting the coding sequence or inducing aberrant splicing (Belancio VP et al. Semin. Cancer Biol. 2010 Aug;20:200-10; Deininger P et al. Genome Biol. 2011 Dec;12:236; van der Klift HM Hum Mutat. 2012 Jul;33(7):1051-5). Based on the majority of available evidence to date, this variant is likely to be pathogenic.

NM_000267.3:c.2964_2965insALU

Gene: NF1 (neurofibromin 1; plus strand).
Variant type: Insertion.
Identifiers: ClinVar variation 3404774 (VCV003404774.1).